The following is an entry in ClinVar:

ClinVar aggregate classification (germline): Uncertain significance (1 of 4 stars; one submission).

Conditions:
Cardiomyopathy (CMYO). Also called: Cardiomyopathies. Identifiers: Orphanet 167848, MedGen C0878544, MONDO:0004994, HP:0001638. Inheritance: Various modes of inheritance.

Submission:

Color Diagnostics, LLC DBA Color Health
Classification: Uncertain significance for Cardiomyopathy. Last evaluated: 2019-12-09. Review status: criteria provided, single submitter. Criteria: ACMG Guidelines, 2015. Collection method: clinical testing. Allele origin: germline.
Comment: This variant inserts 5 nucleotides in the last exon 7 of the MYL2 gene and causes a frameshift. As a result, it is expected that the last 19 amino acids of the protein are disrupted and 75 new amino acids are added. To our knowledge, functional studies have not been performed for this variant. This variant has not been reported in individuals affected with cardiovascular disorders in the literature. This variant has not been identified in the general population by the Genome Aggregation Database (gnomAD). The available evidence is insufficient to determine the role of this variant in disease conclusively. Therefore, this variant is classified as a Variant of Uncertain Significance.

NM_000432.4(MYL2):c.441_442insTCACT (p.Gly148fs)

Gene: MYL2 (myosin light chain 2; minus strand). Cytogenetic location: 12q24.11.
Variant type: Insertion.
Coding change: c.441_442insTCACT on transcript NM_000432.4 (MANE Select); coding-DNA positions 441 to 442, TCACT inserted.
Protein change: p.Gly148fs; shifts the reading frame from glycine 148.
Molecular consequence: frameshift variant.
Genome position: GRCh38 VCF-style: chr12-110911136-C-CAGTGA. GRCh37 (hg19) VCF-style: chr12-111348940-C-CAGTGA.
Other names: short protein forms G148fs.
Identifiers: ClinVar variation 919726 (VCV000919726.3), dbSNP rs2071649075, ClinGen allele CA1139662879.
Genomic context (GRCh38, chr12:110,911,136, plus strand): 5'-CCTAGTCCTTCTCTTCTCCGTGGGTGATGATGTGCACCAGGTTCTTGTAGTCCAAGTTGC[C>CAGTGA]AGTCACGTCAGGGGGGAAGGCGGCGAACATCTGGTCAACCTGCAATGAGCCAGCAACACG-3'